The following is an entry in ClinVar:

NM_001267550.2(TTN):c.12868del (p.Pro4289_Leu4290insTer)

Gene: TTN (titin; minus strand). Cytogenetic location: 2q31.2.
Variant type: Deletion.
Coding change: c.12868del on transcript NM_001267550.2 (MANE Select); coding-DNA position 12868, one base deleted (C; older notation c.12868delC).
Protein change: p.Pro4289_Leu4290insTer.
Molecular consequence: nonsense. On other transcripts: intron variant (1).
Genome position (GRCh38, 1-based): chr2:178,740,365, G deleted on the plus strand (C on the coding strand, the reverse complement: TTN is on the minus strand); the first of 4 consecutive G bases (chr2:178,740,365-178,740,368); deleting any one gives the same sequence. VCF-style (leftmost placement, unchanged base first): chr2-178740364-AG-A. GRCh37 (hg19) VCF-style: chr2-179605091-AG-A.
Other names: c.11917del, p.Pro3972_Leu3973insTer (NM_001256850.1); c.11779del, p.Pro3926_Leu3927insTer (NM_003319.4); c.12154del, p.Pro4051_Leu4052insTer (NM_133432.3); c.12355del, p.Pro4118_Leu4119insTer (NM_133437.4); c.10361-2005del (NM_133378.4); c.11779delC (NM_003319.4).
Identifiers: ClinVar variation 3975777 (VCV003975777.1).
Genomic context (GRCh38, chr2:178,740,364, plus strand): 5'-GGATTTGCACTTTCTATCAAAATTTTACCTCCTTCTGTGCATGAGTGTTCTGAAGGGACT[AG>A]GGGCTCATAGTTTACCTGAGAGATCATGACATCAGGACTCTGGAGACTCTCCACGTGTCC-3'

ClinVar aggregate classification (germline): Likely pathogenic (1 of 4 stars; one submission).

Conditions:
Cardiovascular phenotype. Identifiers: MedGen CN230736.

Submission:

Ambry Genetics
Classification: Likely pathogenic for Cardiovascular phenotype. Last evaluated: 2025-04-17. Review status: criteria provided, single submitter. Criteria: Ambry Variant Classification Scheme 2023. Collection method: clinical testing. Allele origin: germline.
Comment: The c.11779delC variant, located in coding exon 44 of the TTN gene, results from a deletion of one nucleotide at nucleotide position 11779, causing a translational frameshift with a predicted alternate stop codon (p.L3927*). This exon is located in the I-band of the N2-B isoform of the titin protein and is constitutively expressed in TTN transcripts (percent spliced in or PSI 100%). This variant is expected to result in loss of function by premature protein truncation or nonsense-mediated mRNA decay. While truncating variants in TTN are present in 1-3% of the general population, truncating variants in the A-band are the most common cause of dilated cardiomyopathy (Herman DS et al. N. Engl. J. Med., 2012 Feb;366:619-28; Roberts AM et al. Sci Transl Med, 2015 Jan;7:270ra6). TTN truncating variants encoded in constitutive exons (PSI >90%) have been found to be significantly associated with DCM regardless of their position in titin (Schafer S et al. Nat. Genet., 2017 01;49:46-53; Akhtar MM et al. Circ Heart Fail, 2020 Oct;13:e006832; Massier M et al. Clin Genet, 2025 Jan). This variant is considered to be rare based on population cohorts in the Genome Aggregation Database (gnomAD). Based on the majority of available evidence to date, this variant is likely to be pathogenic.